The following is an entry in ClinVar:

GRCh37/hg19 7p14.1(chr7:42226378-42244825)x3

Gene: GLI3 (GLI family zinc finger 3; minus strand). Cytogenetic location: 7p14.1.
Variant type: copy number gain.
Change: copy number 3 (three copies instead of two) of chr7:42,226,378-42,244,825 (18.4 kb, GRCh37 coordinates, 1-based), cytogenetic band 7p14.1.
Identifiers: ClinVar variation 394643 (VCV000394643.3).

ClinVar aggregate classification (germline): Benign/Likely benign (0 of 4 stars; one submission).

Submission:

ISCA Site 6
Classification: Benign/Likely benign. Review status: no assertion criteria provided. Collection method: clinical testing. Allele origin: unknown. Affected: yes. Observed: 3 variant alleles. Clinical features observed: Developmental delay AND/OR other significant developmental or morphological phenotypes.
Comment: Likely benign (1), Benign (2)

Copy number variation identified through the course of routine clinical cytogenomic testing in postnatal populations, with clinical assertions as classified by the original submitter. For data from the original published study, Kaminsky, et al. 2011 (PubMed 21844811), please see nstd101.